The following is an entry in ClinVar:

NM_000632.4(ITGAM):c.1876T>C (p.Phe626Leu)

Gene: ITGAM (integrin subunit alpha M; plus strand). Cytogenetic location: 16p11.2.
Variant type: single nucleotide variant.
Coding change: c.1876T>C on transcript NM_000632.4 (MANE Select); coding-DNA position 1876, T replaced by C.
Protein change: p.Phe626Leu; replaces phenylalanine 626 with leucine.
Molecular consequence: missense variant.
Genome position (GRCh38, 1-based): chr16:31,321,501, T>C. VCF-style: chr16-31321501-T-C. GRCh37 (hg19) VCF-style: chr16-31332822-T-C.
Other names: c.1879T>C, p.Phe627Leu (NM_001145808.2); short protein forms F626L, F627L.
Identifiers: ClinVar variation 2807513 (VCV002807513.3), dbSNP rs1257814276, ClinGen allele CA395681790.

ClinVar aggregate classification (germline): Uncertain significance (1 of 4 stars; one submission).

Allele frequency attached by ClinVar (database versions not stated): gnomAD exomes below 0.00001.
gnomAD v4.1: 1 of 1,613,808 alleles (0.000062%); highest among the groups gnomAD compares: African/African-American, 0.0013%; no homozygotes.

Submission:

Labcorp Genetics (formerly Invitae), Labcorp
Classification: Uncertain significance. Last evaluated: 2024-08-12. Review status: criteria provided, single submitter. Criteria: Invitae Variant Classification Sherloc (09022015). Collection method: clinical testing. Allele origin: germline.
Comment: This sequence change replaces phenylalanine, which is neutral and non-polar, with leucine, which is neutral and non-polar, at codon 626 of the ITGAM protein (p.Phe626Leu). This variant is not present in population databases (gnomAD no frequency). This variant has not been reported in the literature in individuals affected with ITGAM-related conditions. An algorithm developed to predict the effect of missense changes on protein structure and function (PolyPhen-2) suggests that this variant is likely to be disruptive. In summary, the available evidence is currently insufficient to determine the role of this variant in disease. Therefore, it has been classified as a Variant of Uncertain Significance.